The following is an entry in ClinVar:

NM_005751.5(AKAP9):c.8794A>C (p.Ser2932Arg)

Gene: AKAP9 (A-kinase anchoring protein 9; plus strand). Cytogenetic location: 7q21.2.
Variant type: single nucleotide variant.
Coding change: c.8794A>C on transcript NM_005751.5 (MANE Select); coding-DNA position 8794, A replaced by C.
Protein change: p.Ser2932Arg; replaces serine 2932 with arginine.
Molecular consequence: missense variant.
Genome position (GRCh38, 1-based): chr7:92,084,902, A>C. VCF-style: chr7-92084902-A-C. GRCh37 (hg19) VCF-style: chr7-91714216-A-C.
Other names: c.3439A>C, p.Ser1147Arg (NM_001379277.1); c.8770A>C, p.Ser2924Arg (NM_147185.3); short protein forms S1147R, S2932R, S2924R.
Identifiers: ClinVar variation 2073635 (VCV002073635.4), dbSNP rs150259270, ClinGen allele CA161888114.

ClinVar aggregate classification (germline): Uncertain significance (1 of 4 stars; one submission).

Conditions:
Long QT syndrome (LQTS). Identifiers: MedGen C0023976, MeSH D008133, MONDO:0002442. Disease mechanism: loss of function. Inheritance: Various modes of inheritance.

Allele frequency attached by ClinVar (database versions not stated): ESP Exome Variant Server 0.00008.

Submission:

Labcorp Genetics (formerly Invitae), Labcorp
Classification: Uncertain significance for Long QT syndrome. Last evaluated: 2022-03-24. Review status: criteria provided, single submitter. Criteria: Invitae Variant Classification Sherloc (09022015). Collection method: clinical testing. Allele origin: germline.
Comment: Algorithms developed to predict the effect of missense changes on protein structure and function (SIFT, PolyPhen-2, Align-GVGD) all suggest that this variant is likely to be tolerated. This sequence change replaces serine, which is neutral and polar, with arginine, which is basic and polar, at codon 2932 of the AKAP9 protein (p.Ser2932Arg). This variant is not present in population databases (gnomAD no frequency). This variant has not been reported in the literature in individuals affected with AKAP9-related conditions. In summary, the available evidence is currently insufficient to determine the role of this variant in disease. Therefore, it has been classified as a Variant of Uncertain Significance.